The following is an entry in ClinVar:

ClinVar aggregate classification (germline): Uncertain significance (1 of 4 stars; one submission).

Allele frequency attached by ClinVar (database versions not stated): ExAC 0.00001.

Submission:

Labcorp Genetics (formerly Invitae), Labcorp
Classification: Uncertain significance. Last evaluated: 2022-03-12. Review status: criteria provided, single submitter. Criteria: Invitae Variant Classification Sherloc (09022015). Collection method: clinical testing. Allele origin: germline.
Comment: This sequence change replaces glutamic acid, which is acidic and polar, with glycine, which is neutral and non-polar, at codon 133 of the MCM3AP protein (p.Glu133Gly). This variant is present in population databases (rs772156691, gnomAD 0.0009%). This variant has not been reported in the literature in individuals affected with MCM3AP-related conditions. Algorithms developed to predict the effect of missense changes on protein structure and function (SIFT, PolyPhen-2, Align-GVGD) all suggest that this variant is likely to be tolerated. In summary, the available evidence is currently insufficient to determine the role of this variant in disease. Therefore, it has been classified as a Variant of Uncertain Significance.

NM_003906.5(MCM3AP):c.398A>G (p.Glu133Gly)

Gene: MCM3AP (minichromosome maintenance complex component 3 associated protein; minus strand). Cytogenetic location: 21q22.3.
Variant type: single nucleotide variant.
Coding change: c.398A>G on transcript NM_003906.5 (MANE Select); coding-DNA position 398, A replaced by G.
Protein change: p.Glu133Gly; replaces glutamic acid 133 with glycine.
Molecular consequence: missense variant.
Genome position (GRCh38, 1-based): chr21:46,284,889, T>C on the plus strand (A>G on the coding strand, the complement: MCM3AP is on the minus strand). VCF-style: chr21-46284889-T-C. GRCh37 (hg19) VCF-style: chr21-47704803-T-C.
Other names: short protein forms E133G.
Identifiers: ClinVar variation 1972756 (VCV001972756.5), dbSNP rs772156691, ClinGen allele CA10077353.